The following is an entry in ClinVar:

NM_006612.6(KIF1C):c.3049G>T (p.Ala1017Ser)

Gene: KIF1C (kinesin family member 1C; plus strand). Cytogenetic location: 17p13.2.
Variant type: single nucleotide variant.
Coding change: c.3049G>T on transcript NM_006612.6 (MANE Select); coding-DNA position 3049, G replaced by T.
Protein change: p.Ala1017Ser; replaces alanine 1017 with serine.
Molecular consequence: missense variant.
Genome position (GRCh38, 1-based): chr17:5,023,888, G>T. VCF-style: chr17-5023888-G-T. GRCh37 (hg19) VCF-style: chr17-4927183-G-T.
Other names: short protein forms A1017S.
Identifiers: ClinVar variation 1934578 (VCV001934578.3), dbSNP rs185185243, ClinGen allele CA397319384.
Genomic context (GRCh38, chr17:5,023,888, plus strand): 5'-GGGGAGGCTCCAACTCCGCTCCAACCCCCTGAGGAGGTCACTCCCCATCCAGCCACCCCT[G>T]CCCGCCGGCCTCCGAGTCCCCGAAGGTCCCACCATCCCCGCAGGAACTCCCTGGATGGAG-3'
Protein context (NP_006603.2, residues 1007-1027): EEVTPHPATP[Ala1017Ser]RRPPSPRRSH

ClinVar aggregate classification (germline): Uncertain significance (1 of 4 stars; one submission).

Conditions:
Spastic ataxia 2. Also called: Ataxia, spastic, 2, autosomal recessive. Identifiers: Orphanet 397946, MedGen C1969796, MONDO:0012651, OMIM 611302.

gnomAD v4.1: 4 of 1,544,146 alleles (0.00026%); highest among the groups gnomAD compares: Admixed American, 0.006%; no homozygotes.

Submission:

Labcorp Genetics (formerly Invitae), Labcorp
Classification: Uncertain significance for Spastic ataxia 2. Last evaluated: 2022-07-29. Review status: criteria provided, single submitter. Criteria: Invitae Variant Classification Sherloc (09022015). Collection method: clinical testing. Allele origin: germline.
Comment: This sequence change replaces alanine, which is neutral and non-polar, with serine, which is neutral and polar, at codon 1017 of the KIF1C protein (p.Ala1017Ser). This variant is not present in population databases (gnomAD no frequency). This variant has not been reported in the literature in individuals affected with KIF1C-related conditions. Algorithms developed to predict the effect of missense changes on protein structure and function output the following: SIFT: "Tolerated"; PolyPhen-2: "Benign"; Align-GVGD: "Class C0". The serine amino acid residue is found in multiple mammalian species, which suggests that this missense change does not adversely affect protein function. In summary, the available evidence is currently insufficient to determine the role of this variant in disease. Therefore, it has been classified as a Variant of Uncertain Significance.